The following is an entry in ClinVar:

ClinVar aggregate classification (germline): Uncertain significance. Review status: criteria provided, multiple submitters, no conflicts (2 of 4 stars). 2 submissions from 2 submitters: Uncertain significance (2). Last evaluated 2025-04-25.

Conditions:
Inborn genetic diseases. Identifiers: MedGen C0950123, MeSH D030342.

Allele frequency attached by ClinVar (database versions not stated): ExAC 0.00001; gnomAD 0.00001; gnomAD exomes below 0.00001; TOPMed 0.00001.
gnomAD v4.1: 6 of 1,613,954 alleles (0.00037%); highest among the groups gnomAD compares: African/African-American, 0.004%; no homozygotes.

Submissions (2):

Ambry Genetics
Classification: Uncertain significance for Inborn genetic diseases. Last evaluated: 2025-04-25. Review status: criteria provided, single submitter. Criteria: Ambry Variant Classification Scheme 2023. Collection method: clinical testing. Allele origin: germline.

Labcorp Genetics (formerly Invitae), Labcorp
Classification: Uncertain significance. Last evaluated: 2021-09-03. Review status: criteria provided, single submitter. Criteria: Invitae Variant Classification Sherloc (09022015). Collection method: clinical testing. Allele origin: germline.
Comment: This sequence change replaces phenylalanine with leucine at codon 1578 of the CAD protein (p.Phe1578Leu). The phenylalanine residue is moderately conserved and there is a small physicochemical difference between phenylalanine and leucine. This variant is present in population databases (rs761329377, ExAC 0.01%). This variant has not been reported in the literature in individuals affected with CAD-related conditions. Algorithms developed to predict the effect of missense changes on protein structure and function (SIFT, PolyPhen-2, Align-GVGD) all suggest that this variant is likely to be tolerated. In summary, the available evidence is currently insufficient to determine the role of this variant in disease. Therefore, it has been classified as a Variant of Uncertain Significance.

NM_004341.5(CAD):c.4734C>G (p.Phe1578Leu)

Gene: CAD (carbamoyl-phosphate synthetase 2, aspartate transcarbamylase, and dihydroorotase; plus strand). Cytogenetic location: 2p23.3.
Variant type: single nucleotide variant.
Coding change: c.4734C>G on transcript NM_004341.5 (MANE Select); coding-DNA position 4734, C replaced by G.
Protein change: p.Phe1578Leu; replaces phenylalanine 1578 with leucine.
Molecular consequence: missense variant.
Genome position (GRCh38, 1-based): chr2:27,238,061, C>G. VCF-style: chr2-27238061-C-G. GRCh37 (hg19) VCF-style: chr2-27460929-C-G.
Other names: c.4545C>G, p.Phe1515Leu (NM_001306079.2); c.4734C>G (NM_004341.3); short protein forms F1515L, F1578L.
Identifiers: ClinVar variation 1524272 (VCV001524272.4), dbSNP rs761329377, ClinGen allele CA1573647.